The following is an entry in ClinVar:

ClinVar aggregate classification (germline): Uncertain significance (1 of 4 stars; one submission).

Submission:

GeneDx
Classification: Uncertain significance. Last evaluated: 2023-03-30. Review status: criteria provided, single submitter. Criteria: GeneDx Variant Classification Process June 2021. Collection method: clinical testing. Allele origin: germline.
Comment: Not observed at significant frequency in large population cohorts (gnomAD); In silico analysis supports that this missense variant has a deleterious effect on protein structure/function; Has not been previously published as pathogenic or benign to our knowledge

NM_001172509.2(SATB2):c.1462T>A (p.Tyr488Asn)

Gene: SATB2 (SATB homeobox 2; minus strand). Cytogenetic location: 2q33.1.
Variant type: single nucleotide variant.
Coding change: c.1462T>A on transcript NM_001172509.2 (MANE Select); coding-DNA position 1462, T replaced by A.
Protein change: p.Tyr488Asn; replaces tyrosine 488 with asparagine.
Molecular consequence: missense variant.
Genome position (GRCh38, 1-based): chr2:199,323,883, A>T on the plus strand (T>A on the coding strand, the complement: SATB2 is on the minus strand). VCF-style: chr2-199323883-A-T. GRCh37 (hg19) VCF-style: chr2-200188606-A-T.
Other names: c.1462T>A, p.Tyr488Asn (NM_001172517.1, NM_015265.4); short protein forms Y488N.
Identifiers: ClinVar variation 2446206 (VCV002446206.2), dbSNP rs2468860913, ClinGen allele CA350385051.